The following is an entry in ClinVar:

ClinVar aggregate classification (germline): Uncertain significance (1 of 4 stars; one submission).

Submission:

Labcorp Genetics (formerly Invitae), Labcorp
Classification: Uncertain significance. Last evaluated: 2024-05-22. Review status: criteria provided, single submitter. Criteria: Invitae Variant Classification Sherloc (09022015). Collection method: clinical testing. Allele origin: germline.
Comment: This sequence change replaces alanine, which is neutral and non-polar, with valine, which is neutral and non-polar, at codon 799 of the MYO7A protein (p.Ala799Val). This variant is present in population databases (no rsID available, gnomAD 0.01%). This variant has not been reported in the literature in individuals affected with MYO7A-related conditions. Advanced modeling of protein sequence and biophysical properties (such as structural, functional, and spatial information, amino acid conservation, physicochemical variation, residue mobility, and thermodynamic stability) performed at Invitae indicates that this missense variant is expected to disrupt MYO7A protein function with a positive predictive value of 95%. In summary, the available evidence is currently insufficient to determine the role of this variant in disease. Therefore, it has been classified as a Variant of Uncertain Significance.

NM_000260.4(MYO7A):c.2396C>T (p.Ala799Val)

Gene: MYO7A (myosin VIIA; plus strand). Cytogenetic location: 11q13.5.
Variant type: single nucleotide variant.
Coding change: c.2396C>T on transcript NM_000260.4 (MANE Select); coding-DNA position 2396, C replaced by T.
Protein change: p.Ala799Val; replaces alanine 799 with valine.
Molecular consequence: missense variant.
Genome position (GRCh38, 1-based): chr11:77,179,763, C>T. VCF-style: chr11-77179763-C-T. GRCh37 (hg19) VCF-style: chr11-76890809-C-T.
Other names: c.2396C>T, p.Ala799Val (NM_001127180.2); c.2363C>T, p.Ala788Val (NM_001369365.1); short protein forms A788V, A799V.
Identifiers: ClinVar variation 3634255 (VCV003634255.2).